The following is an entry in ClinVar:

NM_013276.4(SHPK):c.217C>G (p.Leu73Val)

Gene: SHPK (sedoheptulokinase; minus strand). Cytogenetic location: 17p13.2.
Variant type: single nucleotide variant.
Coding change: c.217C>G on transcript NM_013276.4 (MANE Select); coding-DNA position 217, C replaced by G.
Protein change: p.Leu73Val; replaces leucine 73 with valine.
Molecular consequence: missense variant.
Genome position (GRCh38, 1-based): chr17:3,630,298, G>C on the plus strand (C>G on the coding strand, the complement: SHPK is on the minus strand). VCF-style: chr17-3630298-G-C. GRCh37 (hg19) VCF-style: chr17-3533592-G-C.
Other names: short protein forms L73V.
Identifiers: ClinVar variation 2070477 (VCV002070477.13), dbSNP rs141166207, ClinGen allele CA8291410.

ClinVar aggregate classification (germline): Conflicting classifications of pathogenicity. Review status: criteria provided, conflicting classifications (1 of 4 stars). 3 submissions from 3 submitters: Uncertain significance (2); Likely benign (1). Last evaluated 2025-11-01.

Allele frequency attached by ClinVar (database versions not stated): 1000 Genomes Project 0.00020; 1000 Genomes Project 30x 0.00031; ExAC 0.00040; gnomAD 0.00048; TOPMed 0.00048; ESP Exome Variant Server 0.00069; gnomAD exomes 0.00081.
gnomAD v4.1: 1,217 of 1,613,652 alleles (0.075%); highest among the groups gnomAD compares: Non-Finnish European, 0.1%; 4 homozygotes.

Submissions (6):

CeGaT Center for Human Genetics Tuebingen
Classification: Likely benign. Last evaluated: 2025-11-01. Review status: criteria provided, single submitter. Criteria: CeGaT Center For Human Genetics Tuebingen Variant Classification Criteria Version 2. Collection method: clinical testing. Allele origin: germline. Affected: yes. Observed: 1 variant allele.
Comment: SHPK: BP4, BS2

Labcorp Genetics (formerly Invitae), Labcorp
Classification: Uncertain significance. Last evaluated: 2025-07-28. Review status: criteria provided, single submitter. Criteria: Invitae Variant Classification Sherloc (09022015). Collection method: clinical testing. Allele origin: germline.
Comment: This sequence change replaces leucine, which is neutral and non-polar, with valine, which is neutral and non-polar, at codon 73 of the SHPK protein (p.Leu73Val). This variant is present in population databases (rs141166207, gnomAD 0.1%), and has an allele count higher than expected for a pathogenic variant. This variant has not been reported in the literature in individuals affected with SHPK-related conditions. ClinVar contains an entry for this variant (Variation ID: 2070477). An algorithm developed to predict the effect of missense changes on protein structure and function (PolyPhen-2) suggests that this variant is likely to be tolerated. In summary, the available evidence is currently insufficient to determine the role of this variant in disease. Therefore, it has been classified as a Variant of Uncertain Significance.

Ambry Genetics
Classification: Uncertain significance. Last evaluated: 2025-02-01. Review status: criteria provided, single submitter. Criteria: Ambry Variant Classification Scheme 2023. Collection method: clinical testing. Allele origin: germline.

Dr. Peter K. Rogan Lab, Western University
No classification provided (evidence only). Condition: Familial cancer of breast. Review status: no classification provided. Collection method: in vitro. Allele origin: not applicable. Functional consequence: retained intron. Not counted in ClinVar's aggregate classification.

Dr. Peter K. Rogan Lab, Western University
No classification provided (evidence only). Condition: Thyroid cancer, nonmedullary, 1. Review status: no classification provided. Collection method: in vitro. Allele origin: not applicable. Functional consequence: retained intron. Not counted in ClinVar's aggregate classification.

Dr. Peter K. Rogan Lab, Western University
No classification provided (evidence only). Condition: Malignant tumor of esophagus. Review status: no classification provided. Collection method: in vitro. Allele origin: not applicable. Functional consequence: skipped exon, retained intron. Not counted in ClinVar's aggregate classification.